The following is an entry in ClinVar:

ClinVar aggregate classification (germline): Pathogenic/Likely pathogenic. Review status: criteria provided, multiple submitters, no conflicts (2 of 4 stars). 3 submissions from 3 submitters: Pathogenic (2); Likely pathogenic (1). Last evaluated 2025-05-19.

Conditions:
KBG syndrome (KBGS). Also called: ANKRD11-Related KBG Syndrome. Identifiers: Orphanet 2332, MedGen C0220687, MONDO:0007846, OMIM 148050.

Submissions (3):

GeneDx
Classification: Pathogenic. Last evaluated: 2025-05-19. Review status: criteria provided, single submitter. Criteria: GeneDx Variant Classification Process June 2021. Collection method: clinical testing. Allele origin: germline. Affected: yes.
Comment: Identified in a patient with KBG syndrome in published literature; however, detailed clinical and segregation information was not provided (PMID: 37586838); Nonsense variant predicted to result in protein truncation or nonsense mediated decay in a gene for which loss of function is a known mechanism of disease; Not observed at significant frequency in large population cohorts (gnomAD); This variant is associated with the following publications: (PMID: 37586838)

Labcorp Genetics (formerly Invitae), Labcorp
Classification: Pathogenic for KBG syndrome. Last evaluated: 2024-01-18. Review status: criteria provided, single submitter. Criteria: Invitae Variant Classification Sherloc (09022015). Collection method: clinical testing. Allele origin: germline.
Comment: This sequence change creates a premature translational stop signal (p.Arg2328*) in the ANKRD11 gene. It is expected to result in an absent or disrupted protein product. Loss-of-function variants in ANKRD11 are known to be pathogenic (PMID: 21782149, 25125236, 25413698, 25652421). This variant is not present in population databases (gnomAD no frequency). This variant has not been reported in the literature in individuals affected with ANKRD11-related conditions. ClinVar contains an entry for this variant (Variation ID: 2503459). For these reasons, this variant has been classified as Pathogenic.

Medical Genetics Unit, Azienda USL-IRCCS di Reggio Emilia
Classification: Likely pathogenic for KBG syndrome. Last evaluated: 2022-07-27. Review status: criteria provided, single submitter. Criteria: ACMG Guidelines, 2015. Collection method: clinical testing. Allele origin: germline. Affected: yes. Observed: 1 variant allele.
Comment: ACMG/AMP: PVS1,PM2

Literature cited by the submitters: PubMed 21782149 (cited by Labcorp Genetics (formerly Invitae), Labcorp); PubMed 25125236 (cited by Labcorp Genetics (formerly Invitae), Labcorp); PubMed 25413698 (cited by Labcorp Genetics (formerly Invitae), Labcorp); PubMed 25652421 (cited by Labcorp Genetics (formerly Invitae), Labcorp).

NM_013275.6(ANKRD11):c.6982C>T (p.Arg2328Ter)

Gene: ANKRD11 (ankyrin repeat domain 11; minus strand). Cytogenetic location: 16q24.3.
Variant type: single nucleotide variant.
Coding change: c.6982C>T on transcript NM_013275.6 (MANE Select); coding-DNA position 6982, C replaced by T.
Protein change: p.Arg2328Ter; replaces arginine 2328 with a stop codon.
Molecular consequence: nonsense.
Genome position (GRCh38, 1-based): chr16:89,279,560, G>A on the plus strand (C>T on the coding strand, the complement: ANKRD11 is on the minus strand). VCF-style: chr16-89279560-G-A. GRCh37 (hg19) VCF-style: chr16-89345968-G-A.
Other names: c.6982C>T, p.Arg2328Ter (NM_001256182.2, NM_001256183.2); c.6982C>T (NM_013275.5); short protein forms R2328*.
Identifiers: ClinVar variation 2503459 (VCV002503459.5), dbSNP rs1567553783, ClinGen allele CA397149584.